The following is an entry in ClinVar:

ClinVar aggregate classification (germline): Conflicting classifications of pathogenicity. Review status: criteria provided, conflicting classifications (1 of 4 stars). 7 submissions from 7 submitters: Uncertain significance (6); Likely benign (1). Last evaluated 2026-08-07.

Conditions:
Hereditary cancer-predisposing syndrome. Also called: Neoplastic Syndromes, Hereditary; Hereditary Cancer Syndrome; Hereditary neoplastic syndrome; Tumor predisposition. Identifiers: Orphanet 140162, MedGen C0027672, MeSH D009386, MONDO:0015356.
Familial thoracic aortic aneurysm and aortic dissection (TAAD). Also called: Thoracic aortic aneurysms and dissections. Identifiers: Orphanet 91387, MedGen C4707243, MONDO:0019625.
Juvenile polyposis/hereditary hemorrhagic telangiectasia syndrome (JPHT). Also called: JP/HHT SYNDROME; JUVENILE POLYPOSIS WITH HEREDITARY HEMORRHAGIC TELANGIECTASIA; Juvenile Polyposis Syndrome / Hereditary Hemorrhagic Telangiectasia (JPS/HHT); POLYPOSIS, GENERALIZED JUVENILE, WITH PULMONARY ARTERIOVENOUS MALFORMATION; TELANGIECTASIA, HEREDITARY HEMORRHAGIC, WITH JUVENILE POLYPOSIS COLI. Identifiers: Orphanet 2929, MedGen C1832942, MONDO:0008278, OMIM 175050.
Juvenile polyposis syndrome (JPS). Identifiers: Orphanet 2929, MedGen C0345893, MONDO:0017380, OMIM 174900.

Allele frequency attached by ClinVar (database versions not stated): gnomAD exomes below 0.00001; gnomAD 0.00001; TOPMed 0.00002.
gnomAD v4.1: 3 of 1,614,056 alleles (0.00019%); highest among the groups gnomAD compares: African/African-American, 0.004%; no homozygotes.

Submissions (7):

Ambry Genetics
Classification: Likely benign for Hereditary cancer-predisposing syndrome; Familial thoracic aortic aneurysm and aortic dissection. Last evaluated: 2026-08-07. Review status: criteria provided, single submitter. Criteria: Ambry Variant Classification Scheme 2023. Collection method: clinical testing. Allele origin: germline.

Labcorp Genetics (formerly Invitae), Labcorp
Classification: Uncertain significance for Juvenile polyposis syndrome. Last evaluated: 2025-12-01. Review status: criteria provided, single submitter. Criteria: Invitae Variant Classification Sherloc (09022015). Collection method: clinical testing. Allele origin: germline.
Comment: This sequence change replaces isoleucine, which is neutral and non-polar, with valine, which is neutral and non-polar, at codon 228 of the SMAD4 protein (p.Ile228Val). This variant is not present in population databases (gnomAD no frequency). This variant has not been reported in the literature in individuals affected with SMAD4-related conditions. ClinVar contains an entry for this variant (Variation ID: 619726). Invitae Evidence Modeling of protein sequence and biophysical properties (such as structural, functional, and spatial information, amino acid conservation, physicochemical variation, residue mobility, and thermodynamic stability) indicates that this missense variant is not expected to disrupt SMAD4 protein function with a negative predictive value of 95%. In summary, the available evidence is currently insufficient to determine the role of this variant in disease. Therefore, it has been classified as a Variant of Uncertain Significance.

Color Diagnostics, LLC DBA Color Health
Classification: Uncertain significance for Hereditary cancer-predisposing syndrome. Last evaluated: 2024-03-06. Review status: criteria provided, single submitter. Criteria: ACMG Guidelines, 2015. Collection method: clinical testing. Allele origin: germline.
Comment: This missense variant replaces isoleucine with valine at codon 228 of the SMAD4 protein. Computational prediction suggests that this variant may not impact protein structure and function (internally defined REVEL score threshold <= 0.5, PMID: 27666373). To our knowledge, functional studies have not been reported for this variant. This variant has not been reported in individuals affected with SMAD4-related disorders in the literature. This variant has not been identified in the general population by the Genome Aggregation Database (gnomAD). The available evidence is insufficient to determine the role of this variant in disease conclusively. Therefore, this variant is classified as a Variant of Uncertain Significance.

All of Us Research Program, National Institutes of Health
Classification: Uncertain significance for Juvenile polyposis/hereditary hemorrhagic telangiectasia syndrome. Last evaluated: 2023-08-15. Review status: criteria provided, single submitter. Criteria: ACMG Guidelines, 2015. Collection method: clinical testing. Allele origin: germline. Inheritance: Autosomal dominant inheritance. Observed: 2 variant alleles, 2 heterozygotes.
Comment: This missense variant replaces isoleucine with valine at codon 228 of the SMAD4 protein. Computational prediction suggests that this variant may not impact protein structure and function (internally defined REVEL score threshold <= 0.5, PMID: 27666373). To our knowledge, functional studies have not been reported for this variant. This variant has not been reported in individuals affected with SMAD4-related disorders in the literature. This variant has not been identified in the general population by the Genome Aggregation Database (gnomAD). The available evidence is insufficient to determine the role of this variant in disease conclusively. Therefore, this variant is classified as a Variant of Uncertain Significance.

This study involves interpretation of variants in research participants for the purpose of population health screening. Participant phenotype was not available at the time of variant classification. Additional details can be found in publication PMID: 35346344, PMCID: PMC8962531

Baylor Genetics
Classification: Uncertain significance for Juvenile polyposis/hereditary hemorrhagic telangiectasia syndrome. Last evaluated: 2023-07-28. Review status: criteria provided, single submitter. Criteria: ACMG Guidelines, 2015. Collection method: clinical testing. Allele origin: unknown.

GeneDx
Classification: Uncertain significance. Last evaluated: 2022-09-02. Review status: criteria provided, single submitter. Criteria: GeneDx Variant Classification Process June 2021. Collection method: clinical testing. Allele origin: germline. Affected: yes.
Comment: Not observed at significant frequency in large population cohorts (gnomAD); In silico analysis supports that this missense variant does not alter protein structure/function; Has not been previously published as pathogenic or benign to our knowledge; This variant is associated with the following publications: (PMID: 15235019, 18823382, 22992590)

Quest Diagnostics Nichols Institute San Juan Capistrano
Classification: Uncertain significance. Last evaluated: 2018-02-12. Review status: criteria provided, single submitter. Criteria: Quest Diagnostics criteria. Collection method: clinical testing. Allele origin: germline.

NM_005359.6(SMAD4):c.682A>G (p.Ile228Val)

Gene: SMAD4 (SMAD family member 4; plus strand). Cytogenetic location: 18q21.2.
Variant type: single nucleotide variant.
Coding change: c.682A>G on transcript NM_005359.6 (MANE Select); coding-DNA position 682, A replaced by G.
Protein change: p.Ile228Val; replaces isoleucine 228 with valine.
Molecular consequence: missense variant.
Genome position (GRCh38, 1-based): chr18:51,058,139, A>G. VCF-style: chr18-51058139-A-G. GRCh37 (hg19) VCF-style: chr18-48584509-A-G.
Other names: short protein forms I228V.
Identifiers: ClinVar variation 619726 (VCV000619726.22), dbSNP rs1280682459, ClinGen allele CA402462635.